The following is an entry in ClinVar:

NM_012123.4(MTO1):c.97C>T (p.Arg33Trp)

Gene: MTO1 (mitochondrial tRNA translation optimization 1; plus strand). Cytogenetic location: 6q13.
Variant type: single nucleotide variant.
Coding change: c.97C>T on transcript NM_012123.4 (MANE Select); coding-DNA position 97, C replaced by T.
Protein change: p.Arg33Trp; replaces arginine 33 with tryptophan.
Molecular consequence: missense variant.
Genome position (GRCh38, 1-based): chr6:73,461,951, C>T. VCF-style: chr6-73461951-C-T. GRCh37 (hg19) VCF-style: chr6-74171674-C-T.
Other names: c.97C>T, p.Arg33Trp (NM_001123226.2, NM_133645.3); short protein forms R33W.
Identifiers: ClinVar variation 648658 (VCV000648658.5), dbSNP rs769059204, ClinGen allele CA3889221.

ClinVar aggregate classification (germline): Uncertain significance (1 of 4 stars; one submission).

Conditions:
Mitochondrial hypertrophic cardiomyopathy with lactic acidosis due to MTO1 deficiency. Also called: Combined oxidative phosphorylation deficiency 10; CARDIOMYOPATHY, INFANTILE HYPERTROPHIC MITOCHONDRIAL, AND LACTIC ACIDOSIS. Identifiers: Orphanet 314637, MedGen C4749921, MONDO:0013865, OMIM 614702.

Allele frequency attached by ClinVar (database versions not stated): gnomAD 0.00004; TOPMed 0.00005; ExAC 0.00012.
gnomAD v4.1: 31 of 1,614,122 alleles (0.0019%); highest among the groups gnomAD compares: East Asian, 0.069%; no homozygotes.

Submission:

Labcorp Genetics (formerly Invitae), Labcorp
Classification: Uncertain significance for Mitochondrial hypertrophic cardiomyopathy with lactic acidosis due to MTO1 deficiency. Last evaluated: 2026-01-15. Review status: criteria provided, single submitter. Criteria: Invitae Variant Classification Sherloc (09022015). Collection method: clinical testing. Allele origin: germline.
Comment: This sequence change replaces arginine, which is basic and polar, with tryptophan, which is neutral and slightly polar, at codon 33 of the MTO1 protein (p.Arg33Trp). This variant is present in population databases (rs769059204, gnomAD 0.2%). This variant has not been reported in the literature in individuals affected with MTO1-related conditions. ClinVar contains an entry for this variant (Variation ID: 648658). An algorithm developed to predict the effect of missense changes on protein structure and function outputs the following: PolyPhen-2: "Benign". The tryptophan amino acid residue is found in multiple mammalian species, which suggests that this missense change does not adversely affect protein function. In summary, the available evidence is currently insufficient to determine the role of this variant in disease. Therefore, it has been classified as a Variant of Uncertain Significance.